The following is an entry in ClinVar:

NM_001080394.4(SPIDR):c.2395_2396del (p.Met799fs)

Gene: SPIDR (scaffold protein involved in DNA repair; plus strand). Cytogenetic location: 8q11.21.
Variant type: Deletion.
Coding change: c.2395_2396del on transcript NM_001080394.4 (MANE Select); coding-DNA positions 2395 to 2396, 2 bases deleted (AT; older notation c.2395_2396delAT).
Protein change: p.Met799fs; shifts the reading frame from methionine 799.
Molecular consequence: frameshift variant. On other transcripts: non-coding transcript variant (3), intron variant (4).
Genome position (GRCh38, 1-based): chr8:47,727,253-47,727,254, AT deleted. VCF-style (leftmost placement, unchanged base first): chr8-47727252-CAT-C. GRCh37 (hg19) VCF-style: chr8-48639814-CAT-C.
Other names: c.2185_2186del, p.Met729fs (NM_001282916.1, NM_001352935.1); c.2215_2216del, p.Met739fs (NM_001282919.1, NM_001352933.1, NM_001352937.1); c.2395_2396del, p.Met799fs (NM_001352931.1, NM_001352934.1); c.2275_2276del, p.Met759fs (NM_001352932.1); c.1903_1904del, p.Met635fs (NM_001352938.1, NM_001352939.1, NM_001352940.1 and 1 more transcripts); c.1879_1880del, p.Met627fs (NM_001352941.1); c.1738_1739del, p.Met580fs (NM_001352942.1, NM_001352949.1); c.1669_1670del, p.Met557fs (NM_001352945.1); and 9 more; short protein forms M304fs, M729fs, M488fs, M549fs, M580fs, M635fs, M739fs, M557fs.
Identifiers: ClinVar variation 4977022 (VCV004977022.1).
Genomic context (GRCh38, chr8:47,727,252, plus strand): 5'-GGGCCTAGGCACTGTGGTTGGCGTGGACGAGAGCACTGCTTTCTCATGGCCTGTGTGTGA[CAT>C]GTGTGGCAACGGGAGATTGGAACAGAGGCCGGAAGACAGGTAAGGGGACAGGAGCTGTCC-3'

ClinVar aggregate classification (germline): Likely pathogenic (1 of 4 stars; one submission).

Conditions:
SPIDR-related disorder. Also called: SPIDR-related condition.

Submission:

PreventionGenetics, part of Exact Sciences
Classification: Likely pathogenic for SPIDR-related condition. Last evaluated: 2026-03-04. Review status: criteria provided, single submitter. Criteria: ACMG Guidelines, 2015. Collection method: clinical testing. Allele origin: germline.
Comment: The SPIDR c.2395_2396delAT variant is predicted to result in a frameshift and premature protein termination (p.Met799Valfs*67). To our knowledge, this variant has not been reported in the literature. This variant is reported in 0.0097% of alleles in individuals of Ashkenazi Jewish descent in gnomAD. Frameshift variants in SPIDR are expected to be pathogenic. This variant is interpreted as likely pathogenic.